The following is an entry in ClinVar:

NM_001243279.3(ACSF3):c.1117C>T (p.Arg373Cys)

Genes: ACSF3 (acyl-CoA synthetase family member 3; plus strand), LOC125177393 (P300/CBP strongly-dependent group 1 enhancer GRCh37_chr16:89180375-89181574; plus strand). Cytogenetic location: 16q24.3.
Variant type: single nucleotide variant.
Coding change: c.1117C>T on transcript NM_001243279.3 (MANE Select); coding-DNA position 1117, C replaced by T.
Protein change: p.Arg373Cys; replaces arginine 373 with cysteine.
Molecular consequence: missense variant. On other transcripts: non-coding transcript variant (2).
Genome position (GRCh38, 1-based): chr16:89,114,478, C>T. VCF-style: chr16-89114478-C-T. GRCh37 (hg19) VCF-style: chr16-89180886-C-T.
Other names: c.1117C>T, p.Arg373Cys (NM_001127214.4, NM_174917.5); c.322C>T, p.Arg108Cys (NM_001284316.2); short protein forms R108C, R373C.
Identifiers: ClinVar variation 2141321 (VCV002141321.1), dbSNP rs144907664, ClinGen allele CA397140571.

ClinVar aggregate classification (germline): Uncertain significance (1 of 4 stars; one submission).

Conditions:
Combined malonic and methylmalonic acidemia. Identifiers: Orphanet 289504, MedGen C3280314, MONDO:0013661, OMIM 614265.

gnomAD v4.1: 6 of 1,611,720 alleles (0.00037%); highest among the groups gnomAD compares: East Asian, 0.0022%; no homozygotes.

Submission:

Labcorp Genetics (formerly Invitae), Labcorp
Classification: Uncertain significance for Combined malonic and methylmalonic acidemia. Last evaluated: 2022-04-11. Review status: criteria provided, single submitter. Criteria: Invitae Variant Classification Sherloc (09022015). Collection method: clinical testing. Allele origin: germline.
Comment: This sequence change replaces arginine, which is basic and polar, with cysteine, which is neutral and slightly polar, at codon 373 of the ACSF3 protein (p.Arg373Cys). This variant is not present in population databases (gnomAD no frequency). This variant has not been reported in the literature in individuals affected with ACSF3-related conditions. Algorithms developed to predict the effect of missense changes on protein structure and function are either unavailable or do not agree on the potential impact of this missense change (SIFT: "Deleterious"; PolyPhen-2: "Probably Damaging"; Align-GVGD: "Class C0"). In summary, the available evidence is currently insufficient to determine the role of this variant in disease. Therefore, it has been classified as a Variant of Uncertain Significance.